The following is an entry in ClinVar:

GRCh38/hg38 11p11.2(chr11:44136593-46121139)x1

Genes: ALX4 (ALX homeobox 4; minus strand), CD82 (CD82 molecule; plus strand), CD82-AS1 (CD82 antisense RNA 1; minus strand), CHST1 (carbohydrate sulfotransferase 1; minus strand), CRY2 (cryptochrome circadian regulator 2; plus strand) and 76 more. Cytogenetic location: 11p11.2.
Variant type: copy number loss.
Change: copy number 1 (one copy instead of two) of chr11:44,136,593-46,121,139 (1.98 Mb, GRCh38 coordinates, 1-based), cytogenetic band 11p11.2.
Identifiers: ClinVar variation 58891 (VCV000058891.1).

ClinVar aggregate classification (germline): Pathogenic (1 of 4 stars; one submission).

Submission:

ISCA site 15
Classification: Pathogenic. Last evaluated: 2011-08-12. Review status: criteria provided, single submitter. Criteria: Kaminsky et al. (Genet Med. 2011). Collection method: clinical testing. Allele origin: de novo. Affected: yes. Observed: 1 variant allele.
Comment: Copy number variation identified through the course of routine clinical cytogenomic testing in postnatal populations. Clinical assertions have been curated as described in Kaminsky et al. 2011.